The following is an entry in ClinVar:

ClinVar aggregate classification (germline): Uncertain significance (1 of 4 stars; one submission).

Conditions:
Epileptic encephalopathy. Identifiers: MedGen C0543888, HP:0200134.

Submission:

Labcorp Genetics (formerly Invitae), Labcorp
Classification: Uncertain significance for Epileptic encephalopathy. Last evaluated: 2025-02-26. Review status: criteria provided, single submitter. Criteria: Invitae Variant Classification Sherloc (09022015). Collection method: clinical testing. Allele origin: germline.
Comment: This sequence change replaces valine, which is neutral and non-polar, with alanine, which is neutral and non-polar, at codon 263 of the GABBR2 protein (p.Val263Ala). This variant is present in population databases (no rsID available, gnomAD 0.003%). This variant has not been reported in the literature in individuals affected with GABBR2-related conditions. Invitae Evidence Modeling of protein sequence and biophysical properties (such as structural, functional, and spatial information, amino acid conservation, physicochemical variation, residue mobility, and thermodynamic stability) has been performed for this missense variant. However, the output from this modeling did not meet the statistical confidence thresholds required to predict the impact of this variant on GABBR2 protein function. In summary, the available evidence is currently insufficient to determine the role of this variant in disease. Therefore, it has been classified as a Variant of Uncertain Significance.

NM_005458.8(GABBR2):c.788T>C (p.Val263Ala)

Gene: GABBR2 (gamma-aminobutyric acid type B receptor subunit 2; minus strand). Cytogenetic location: 9q22.33.
Variant type: single nucleotide variant.
Coding change: c.788T>C on transcript NM_005458.8 (MANE Select); coding-DNA position 788, T replaced by C.
Protein change: p.Val263Ala; replaces valine 263 with alanine.
Molecular consequence: missense variant.
Genome position (GRCh38, 1-based): chr9:98,480,942, A>G on the plus strand (T>C on the coding strand, the complement: GABBR2 is on the minus strand). VCF-style: chr9-98480942-A-G. GRCh37 (hg19) VCF-style: chr9-101243224-A-G.
Other names: short protein forms V263A.
Identifiers: ClinVar variation 4743830 (VCV004743830.1).